The following is an entry in ClinVar:

NM_001378452.1(ITPR1):c.6572A>T (p.Asp2191Val)

Gene: ITPR1 (inositol 1,4,5-trisphosphate receptor type 1; plus strand). Cytogenetic location: 3p26.1.
Variant type: single nucleotide variant.
Coding change: c.6572A>T on transcript NM_001378452.1 (MANE Select); coding-DNA position 6572, A replaced by T.
Protein change: p.Asp2191Val; replaces aspartic acid 2191 with valine.
Molecular consequence: missense variant.
Genome position (GRCh38, 1-based): chr3:4,783,877, A>T. VCF-style: chr3-4783877-A-T. GRCh37 (hg19) VCF-style: chr3-4825561-A-T.
Other names: c.6428A>T, p.Asp2143Val (NM_001099952.4); c.6527A>T, p.Asp2176Val (NM_001168272.2); c.6383A>T, p.Asp2128Val (NM_002222.7); short protein forms D2176V, D2143V, D2128V, D2191V.
Identifiers: ClinVar variation 1929117 (VCV001929117.5), dbSNP rs1200988191, ClinGen allele CA351640066.

ClinVar aggregate classification (germline): Uncertain significance (1 of 4 stars; one submission).

gnomAD v4.1: 1 of 1,610,576 alleles (0.000062%); highest among the groups gnomAD compares: Admixed American, 0.0017%; no homozygotes.

Submission:

Labcorp Genetics (formerly Invitae), Labcorp
Classification: Uncertain significance. Last evaluated: 2022-10-18. Review status: criteria provided, single submitter. Criteria: Invitae Variant Classification Sherloc (09022015). Collection method: clinical testing. Allele origin: germline.
Comment: This sequence change replaces aspartic acid, which is acidic and polar, with valine, which is neutral and non-polar, at codon 2128 of the ITPR1 protein (p.Asp2128Val). This variant is not present in population databases (gnomAD no frequency). This variant has not been reported in the literature in individuals affected with ITPR1-related conditions. Advanced modeling of protein sequence and biophysical properties (such as structural, functional, and spatial information, amino acid conservation, physicochemical variation, residue mobility, and thermodynamic stability) performed at Invitae indicates that this missense variant is not expected to disrupt ITPR1 protein function. In summary, the available evidence is currently insufficient to determine the role of this variant in disease. Therefore, it has been classified as a Variant of Uncertain Significance.